The following is an entry in ClinVar:

NM_012281.3(KCND2):c.1184T>A (p.Val395Asp)

Gene: KCND2 (potassium voltage-gated channel subfamily D member 2; plus strand). Cytogenetic location: 7q31.31.
Variant type: single nucleotide variant.
Coding change: c.1184T>A on transcript NM_012281.3 (MANE Select); coding-DNA position 1184, T replaced by A.
Protein change: p.Val395Asp; replaces valine 395 with aspartic acid.
Molecular consequence: missense variant.
Genome position (GRCh38, 1-based): chr7:120,732,971, T>A. VCF-style: chr7-120732971-T-A. GRCh37 (hg19) VCF-style: chr7-120373025-T-A.
Other names: c.1184T>A (NM_012281.2); short protein forms V395D.
Identifiers: ClinVar variation 3766768 (VCV003766768.8).

ClinVar aggregate classification (germline): Conflicting classifications of pathogenicity. Review status: criteria provided, conflicting classifications (1 of 4 stars). 3 submissions from 3 submitters: Likely pathogenic (1); Uncertain significance (2). Last evaluated 2025-06-03.

Submissions (3):

GeneDx
Classification: Uncertain significance. Last evaluated: 2025-06-03. Review status: criteria provided, single submitter. Criteria: GeneDx Variant Classification Process June 2021. Collection method: clinical testing. Allele origin: germline. Affected: yes.
Comment: Not observed at significant frequency in large population cohorts (gnomAD); In silico analysis supports that this missense variant has a deleterious effect on protein structure/function; Has not been previously published as pathogenic or benign to our knowledge.

CeGaT Center for Human Genetics Tuebingen
Classification: Uncertain significance. Last evaluated: 2025-03-01. Review status: criteria provided, single submitter. Criteria: CeGaT Center For Human Genetics Tuebingen Variant Classification Criteria Version 2. Collection method: clinical testing. Allele origin: germline. Affected: yes. Observed: 1 variant allele.
Comment: KCND2: PM2, PP2, PP3, PS2:Supporting

ARUP Laboratories, Molecular Genetics and Genomics, ARUP Laboratories
Classification: Likely pathogenic. Last evaluated: 2023-12-21. Review status: criteria provided, single submitter. Criteria: ARUP Molecular Germline Variant Investigation Process 2024. Collection method: clinical testing. Allele origin: germline.
Comment: The KCND2 c.1184T>A; p.Val395Asp variant, to our knowledge, is not reported in the medical literature or gene specific databases. This variant is absent from the Genome Aggregation Database (v2.1.1), indicating it is not a common polymorphism. Additionally, de novo KCND2 missense variants have been reported in individuals with early-onset global developmental delay, associated with impaired motor, speech and cognitive development, as well as muscle hypotonia, seizures, visual impairments, and mild physical dysmorphisms (Zhang 2021). Computational analyses predict that this variant is deleterious (REVEL: 0.975). Based on available information, the p.Val395Asp variant is considered to be likely pathogenic. References: Zhang Y et al. KCND2 variants associated with global developmental delay differentially impair Kv4.2 channel gating. Hum Mol Genet. 2021 Nov 16;30(23):2300-2314. PMID: 34245260.